The following is an entry in ClinVar:

ClinVar aggregate classification (germline): Uncertain significance (1 of 4 stars; one submission).

Conditions:
Cardiovascular phenotype. Identifiers: MedGen CN230736.

gnomAD v4.1: 5 of 1,605,702 alleles (0.00031%); highest among the groups gnomAD compares: South Asian, 0.0022%; no homozygotes.

Submission:

Ambry Genetics
Classification: Uncertain significance for Cardiovascular phenotype. Last evaluated: 2025-09-10. Review status: criteria provided, single submitter. Criteria: Ambry Variant Classification Scheme 2023. Collection method: clinical testing. Allele origin: germline.
Comment: The p.P687S variant (also known as c.2059C>T), located in coding exon 13 of the CBL gene, results from a C to T substitution at nucleotide position 2059. The proline at codon 687 is replaced by serine, an amino acid with similar properties. This amino acid position is conserved. In addition, this alteration is predicted to be tolerated by in silico analysis. Based on the available evidence, the clinical significance of this variant remains unclear.

NM_005188.4(CBL):c.2059C>T (p.Pro687Ser)

Gene: CBL (Cbl proto-oncogene; plus strand). Cytogenetic location: 11q23.3.
Variant type: single nucleotide variant.
Coding change: c.2059C>T on transcript NM_005188.4 (MANE Select); coding-DNA position 2059, C replaced by T.
Protein change: p.Pro687Ser; replaces proline 687 with serine.
Molecular consequence: missense variant.
Genome position (GRCh38, 1-based): chr11:119,296,940, C>T. VCF-style: chr11-119296940-C-T. GRCh37 (hg19) VCF-style: chr11-119167650-C-T.
Other names: short protein forms P687S.
Identifiers: ClinVar variation 4219933 (VCV004219933.1).